The following is an entry in ClinVar:

NM_000235.4(LIPA):c.1113A>G (p.Glu371=)

Gene: LIPA (lipase A, lysosomal acid type; minus strand). Cytogenetic location: 10q23.31.
Variant type: single nucleotide variant.
Coding change: c.1113A>G on transcript NM_000235.4 (MANE Select); coding-DNA position 1113, A replaced by G.
Protein change: p.Glu371=; no amino-acid change (glutamic acid 371 retained).
Molecular consequence: synonymous variant.
Genome position (GRCh38, 1-based): chr10:89,214,915, T>C on the plus strand (A>G on the coding strand, the complement: LIPA is on the minus strand). VCF-style: chr10-89214915-T-C. GRCh37 (hg19) VCF-style: chr10-90974672-T-C.
Other names: c.1113A>G, p.Glu371= (NM_001127605.3); c.765A>G, p.Glu255= (NM_001288979.2).
Identifiers: ClinVar variation 193567 (VCV000193567.35), dbSNP rs116827211, ClinGen allele CA200662.

ClinVar aggregate classification (germline): Benign/Likely benign. Review status: criteria provided, multiple submitters, no conflicts (2 of 4 stars). 12 submissions from 12 submitters: Benign (4); Likely benign (4). 4 of the submissions do not count toward it. Last evaluated 2026-05-01.

Conditions:
Cardiovascular phenotype. Identifiers: MedGen CN230736.
Wolman disease (WOLD). Also called: Wolman disease, CESD; Acid cholesteryl ester hydrolase deficiency, Wolman type; Acid lipase disease; Infantile-Onset LAL-D (Wolman Disease); LYSOSOMAL ACID LIPASE DEFICIENCY, ACUTE INFANTILE; LYSOSOMAL ACID LIPASE DEFICIENCY, COMPLETE. Identifiers: Orphanet 75233, MedGen C0043208, MONDO:0019148, OMIM 620151.
Lysosomal acid lipase deficiency. Also called: Acid cholesteryl ester hydrolase deficiency, type 2. Identifiers: Orphanet 275761, MedGen C5574740, MONDO:0800449, MONDO:0010204.

Allele frequency attached by ClinVar (database versions not stated): gnomAD exomes 0.00031 and 0.00073; ExAC 0.00077; 1000 Genomes Project 30x 0.00219; 1000 Genomes Project 0.00240; ESP Exome Variant Server 0.00277; gnomAD 0.00279 and 0.00302; TOPMed 0.00282.
gnomAD v4.1: 912 of 1,614,092 alleles (0.057%); highest among the groups gnomAD compares: African/African-American, 0.9%; 2 homozygotes.

Submissions (12):

CeGaT Center for Human Genetics Tuebingen
Classification: Likely benign. Last evaluated: 2026-05-01. Review status: criteria provided, single submitter. Criteria: CeGaT Center For Human Genetics Tuebingen Variant Classification Criteria Version 2. Collection method: clinical testing. Allele origin: germline. Affected: yes. Observed: 1 variant allele.
Comment: LIPA: BP4, BP7

Labcorp Genetics (formerly Invitae), Labcorp
Classification: Benign for Wolman disease. Last evaluated: 2026-01-26. Review status: criteria provided, single submitter. Criteria: Invitae Variant Classification Sherloc (09022015). Collection method: clinical testing. Allele origin: germline.

Blueprint Genetics
Classification: Likely benign. Last evaluated: 2024-11-22. Review status: criteria provided, single submitter. Criteria: ACMG Guidelines, 2015. Collection method: clinical testing. Allele origin: germline.

GENinCode PLC
Classification: Benign for Lysosomal acid lipase deficiency. Last evaluated: 2023-02-28. Review status: criteria provided, single submitter. Criteria: ACMG Guidelines, 2015. Collection method: clinical testing. Allele origin: germline.

Ambry Genetics
Classification: Benign for Cardiovascular phenotype. Last evaluated: 2021-12-29. Review status: criteria provided, single submitter. Criteria: Ambry Variant Classification Scheme 2023. Collection method: clinical testing. Allele origin: germline.

GeneDx
Classification: Likely benign. Last evaluated: 2020-02-26. Review status: criteria provided, single submitter. Criteria: GeneDx Variant Classification Process June 2021. Collection method: clinical testing. Allele origin: germline. Affected: yes.
Comment: This variant is associated with the following publications: (PMID: 28502505)

Illumina Laboratory Services, Illumina
Classification: Likely benign for Cholesteryl ester storage disease. Last evaluated: 2018-01-13. Review status: criteria provided, single submitter. Criteria: ICSL Variant Classification Criteria 13 December 2019. Collection method: clinical testing. Allele origin: germline.
Comment: This variant was observed in the ICSL laboratory as part of a predisposition screen in an ostensibly healthy population. It had not been previously curated by ICSL or reported in the Human Gene Mutation Database (HGMD: prior to June 1st, 2018), and was therefore a candidate for classification through an automated scoring system. Utilizing variant allele frequency, disease prevalence and penetrance estimates, and inheritance mode, an automated score was calculated to assess if this variant is too frequent to cause the disease. Based on the score and internal cut-off values, a variant classified as likely benign is not then subjected to further curation. The score for this variant resulted in a classification of likely benign for this disease.

Eurofins Ntd Llc (ga)
Classification: Benign. Last evaluated: 2014-12-30. Review status: criteria provided, single submitter. Criteria: EGL Classification Definitions 2015. Collection method: clinical testing. Allele origin: germline. Observed: 1 variant allele, 1 heterozygote.

Natera, Inc.
Classification: Benign for Lysosomal acid lipase deficiency. Last evaluated: 2020-09-16. Review status: no assertion criteria provided. Collection method: clinical testing. Allele origin: germline. Not counted in ClinVar's aggregate classification.

Mayo Clinic Laboratories, Mayo Clinic
Classification: Likely benign. Last evaluated: 2017-05-16. Review status: no assertion criteria provided. Collection method: clinical testing. Allele origin: unknown. Not counted in ClinVar's aggregate classification.

Clinical Genetics DNA and cytogenetics Diagnostics Lab, Erasmus MC, Erasmus Medical Center
Classification: Likely benign. Review status: no assertion criteria provided. Collection method: clinical testing. Allele origin: germline. Affected: yes. Study: VKGL Data-share Consensus. Not counted in ClinVar's aggregate classification.

Clinical Genetics, Academic Medical Center
Classification: Likely benign. Review status: no assertion criteria provided. Collection method: clinical testing. Allele origin: germline. Affected: yes. Study: VKGL Data-share Consensus. Not counted in ClinVar's aggregate classification.